The following is an entry in ClinVar:

NM_152564.5(VPS13B):c.1782T>C (p.Ile594=)

Gene: VPS13B (vacuolar protein sorting 13 homolog B; plus strand). Cytogenetic location: 8q22.2.
Variant type: single nucleotide variant.
Coding change: c.1782T>C on transcript NM_152564.5 (MANE Select); coding-DNA position 1782, T replaced by C.
Protein change: p.Ile594=; no amino-acid change (isoleucine 594 retained).
Molecular consequence: synonymous variant.
Genome position (GRCh38, 1-based): chr8:99,143,104, T>C. VCF-style: chr8-99143104-T-C. GRCh37 (hg19) VCF-style: chr8-100155332-T-C.
Other names: p.Ile594=; c.1782T>C, p.Ile594= (NM_015243.3, NM_017890.5).
Identifiers: ClinVar variation 528869 (VCV000528869.65), dbSNP rs145648860, ClinGen allele CA4822741.
Genomic context (GRCh38, chr8:99,143,104, plus strand): 5'-CAAAAGCCTTGTTATAGGTCCTCTTGATTTTCGTTTGGATAGCAGTGCGGTGCATAGGAT[T>C]TTGAAAATGATTGTGTGTGCCTTGGAACATGAATATGAACCATATAGCAGGCTAAAATCA-3'
Protein context (NP_689777.3, residues 584-604): FRLDSSAVHR[Ile594=]LKMIVCALEH

ClinVar aggregate classification (germline): Benign/Likely benign. Review status: criteria provided, multiple submitters, no conflicts (2 of 4 stars). 8 submissions from 8 submitters: Benign (4); Likely benign (3). 1 of the submissions does not count toward it. Last evaluated 2026-02-02.

Conditions:
Inborn genetic diseases. Identifiers: MedGen C0950123, MeSH D030342.
Cohen syndrome (COH1). Also called: PEPPER SYNDROME; Cutis verticis gyrata, retinitis pigmentosa, and sensorineural deafness. Identifiers: Orphanet 193, MedGen C0265223, MONDO:0008999, OMIM 216550.

Allele frequency attached by ClinVar (database versions not stated): gnomAD exomes 0.00055 and 0.00141; ExAC 0.00189; ESP Exome Variant Server 0.00630; gnomAD 0.00640 and 0.00688; 1000 Genomes Project 0.00659; 1000 Genomes Project 30x 0.00671; TOPMed 0.00689.
gnomAD v4.1: 1,808 of 1,614,034 alleles (0.11%); highest among the groups gnomAD compares: African/African-American, 2.1%; 13 homozygotes.

Submissions (8):

Labcorp Genetics (formerly Invitae), Labcorp
Classification: Benign for Cohen syndrome. Last evaluated: 2026-02-02. Review status: criteria provided, single submitter. Criteria: Invitae Variant Classification Sherloc (09022015). Collection method: clinical testing. Allele origin: germline.

Women's Health and Genetics/Laboratory Corporation of America, LabCorp
Classification: Likely benign. Last evaluated: 2026-01-23. Review status: criteria provided, single submitter. Criteria: LabCorp Variant Classification Summary - May 2015. Collection method: clinical testing. Allele origin: germline.

Mayo Clinic Laboratories, Mayo Clinic
Classification: Benign. Last evaluated: 2024-11-14. Review status: criteria provided, single submitter. Criteria: ACMG Guidelines, 2015. Collection method: clinical testing. Allele origin: germline. Observed: 12 variant alleles.

GeneDx
Classification: Benign. Last evaluated: 2019-04-26. Review status: criteria provided, single submitter. Criteria: GeneDx Variant Classification Process June 2021. Collection method: clinical testing. Allele origin: germline. Affected: yes.

Illumina Laboratory Services, Illumina
Classification: Benign for Cohen syndrome. Last evaluated: 2018-01-12. Review status: criteria provided, single submitter. Criteria: ICSL Variant Classification Criteria 13 December 2019. Collection method: clinical testing. Allele origin: germline.
Comment: This variant was observed in the ICSL laboratory as part of a predisposition screen in an ostensibly healthy population. It had not been previously curated by ICSL or reported in the Human Gene Mutation Database (HGMD: prior to June 1st, 2018), and was therefore a candidate for classification through an automated scoring system. Utilizing variant allele frequency, disease prevalence and penetrance estimates, and inheritance mode, an automated score was calculated to assess if this variant is too frequent to cause the disease. Based on the score and internal cut-off values, a variant classified as benign is not then subjected to further curation. The score for this variant resulted in a classification of benign for this disease.

Ambry Genetics
Classification: Likely benign for Inborn genetic diseases. Last evaluated: 2017-01-17. Review status: criteria provided, single submitter. Criteria: Ambry Variant Classification Scheme 2023. Collection method: clinical testing. Allele origin: germline.

Breakthrough Genomics
Classification: Likely benign. Review status: criteria provided, single submitter. Criteria: ACMG Guidelines, 2015. Collection method: not provided. Allele origin: germline. Inheritance: Autosomal recessive inheritance. Affected: yes.

Natera, Inc.
Classification: Benign for Cohen syndrome. Last evaluated: 2019-12-06. Review status: no assertion criteria provided. Collection method: clinical testing. Allele origin: germline. Not counted in ClinVar's aggregate classification.